The following is an entry in ClinVar:

ClinVar aggregate classification (germline): Uncertain significance (1 of 4 stars; one submission).

Allele frequency attached by ClinVar (database versions not stated): TOPMed 0.00002; gnomAD 0.00004; gnomAD exomes 0.00004; ExAC 0.00010; 1000 Genomes Project 30x 0.00016.
gnomAD v4.1: 46 of 1,158,248 alleles (0.004%); highest among the groups gnomAD compares: South Asian, 0.039%; no homozygotes.

Submission:

Labcorp Genetics (formerly Invitae), Labcorp
Classification: Uncertain significance. Last evaluated: 2026-01-11. Review status: criteria provided, single submitter. Criteria: Invitae Variant Classification Sherloc (09022015). Collection method: clinical testing. Allele origin: germline.
Comment: This sequence change replaces alanine, which is neutral and non-polar, with valine, which is neutral and non-polar, at codon 1020 of the NLRP1 protein (p.Ala1020Val). This variant is present in population databases (rs777794047, gnomAD 0.07%). This variant has not been reported in the literature in individuals affected with NLRP1-related conditions. ClinVar contains an entry for this variant (Variation ID: 1956428). An algorithm developed to predict the effect of missense changes on protein structure and function (PolyPhen-2) suggests that this variant is likely to be tolerated. Algorithms developed to predict the effect of sequence changes on RNA splicing suggest that this variant may disrupt the consensus splice site. In summary, the available evidence is currently insufficient to determine the role of this variant in disease. Therefore, it has been classified as a Variant of Uncertain Significance.

NM_033004.4(NLRP1):c.3059C>T (p.Ala1020Val)

Gene: NLRP1 (NLR family pyrin domain containing 1; minus strand). Cytogenetic location: 17p13.2.
Variant type: single nucleotide variant.
Coding change: c.3059C>T on transcript NM_033004.4 (MANE Select); coding-DNA position 3059, C replaced by T.
Protein change: p.Ala1020Val; replaces alanine 1020 with valine.
Molecular consequence: missense variant.
Genome position (GRCh38, 1-based): chr17:5,533,378, G>A on the plus strand (C>T on the coding strand, the complement: NLRP1 is on the minus strand). VCF-style: chr17-5533378-G-A. GRCh37 (hg19) VCF-style: chr17-5436698-G-A.
Other names: c.3059C>T, p.Ala1020Val (NM_001033053.3, NM_014922.5); c.2969C>T, p.Ala990Val (NM_033006.4, NM_033007.4); short protein forms A1020V, A990V.
Identifiers: ClinVar variation 1956428 (VCV001956428.5), dbSNP rs777794047, ClinGen allele CA8326937.